The following is an entry in ClinVar:

NM_000726.5(CACNB4):c.937G>A (p.Ala313Thr)

Gene: CACNB4 (calcium voltage-gated channel auxiliary subunit beta 4; minus strand). Cytogenetic location: 2q23.3.
Variant type: single nucleotide variant.
Coding change: c.937G>A on transcript NM_000726.5 (MANE Select); coding-DNA position 937, G replaced by A.
Protein change: p.Ala313Thr; replaces alanine 313 with threonine.
Molecular consequence: missense variant.
Genome position (GRCh38, 1-based): chr2:151,855,307, C>T on the plus strand (G>A on the coding strand, the complement: CACNB4 is on the minus strand). VCF-style: chr2-151855307-C-T. GRCh37 (hg19) VCF-style: chr2-152711821-C-T.
Other names: c.883G>A, p.Ala295Thr (NM_001005746.4); c.835G>A, p.Ala279Thr (NM_001005747.4); c.937G>A, p.Ala313Thr (NM_001145798.3); c.796G>A, p.Ala266Thr (NM_001320722.3, NM_001330118.2); c.694G>A, p.Ala232Thr (NM_001330113.2); c.283G>A, p.Ala95Thr (NM_001330114.2); c.646G>A, p.Ala216Thr (NM_001330115.2); c.607G>A, p.Ala203Thr (NM_001330116.2); and 1 more; short protein forms A127T, A203T, A216T, A232T, A266T, A279T, A295T, A313T.
Identifiers: ClinVar variation 1318530 (VCV001318530.2), dbSNP rs2151358481, ClinGen allele CA348790474.

ClinVar aggregate classification (germline): Uncertain significance (1 of 4 stars; one submission).

Submission:

GeneDx
Classification: Uncertain significance. Last evaluated: 2020-02-21. Review status: criteria provided, single submitter. Criteria: GeneDx Variant Classification Process June 2021. Collection method: clinical testing. Allele origin: germline. Affected: yes.
Comment: Not observed in large population cohorts (Lek et al., 2016); In silico analysis supports that this missense variant has a deleterious effect on protein structure/function; Has not been previously published as pathogenic or benign to our knowledge